The following is an entry in ClinVar:

NM_001122764.3(PPOX):c.911G>A (p.Arg304His)

Gene: PPOX (protoporphyrinogen oxidase; plus strand). Cytogenetic location: 1q23.3.
Variant type: single nucleotide variant.
Coding change: c.911G>A on transcript NM_001122764.3 (MANE Select); coding-DNA position 911, G replaced by A.
Protein change: p.Arg304His; replaces arginine 304 with histidine.
Molecular consequence: missense variant.
Genome position (GRCh38, 1-based): chr1:161,169,948, G>A. VCF-style: chr1-161169948-G-A. GRCh37 (hg19) VCF-style: chr1-161139738-G-A.
Other names: c.911G>A, p.Arg304His (NM_000309.5, NM_001365398.1, NM_001365399.1); c.812G>A, p.Arg271His (NM_001350128.2); c.503G>A, p.Arg168His (NM_001350129.2, NM_001365400.1); c.425G>A, p.Arg142His (NM_001350130.2, NM_001350131.2, NM_001365401.1); short protein forms R304H, R142H, R168H, R271H.
Identifiers: ClinVar variation 293255 (VCV000293255.19), dbSNP rs36013429, ClinGen allele CA1207291.

ClinVar aggregate classification (germline): Benign. Review status: criteria provided, multiple submitters, no conflicts (2 of 4 stars). 7 submissions from 7 submitters: Benign (5). 2 of the submissions do not count toward it. Last evaluated 2026-02-03.

Conditions:
Variegate porphyria (VP). Also called: PORPHYRIA, SOUTH AFRICAN TYPE; PROTOPORPHYRINOGEN OXIDASE DEFICIENCY; PPOX DEFICIENCY. Identifiers: Orphanet 79473, MedGen C0162532, MONDO:0008297, OMIM 176200.

Allele frequency attached by ClinVar (database versions not stated): gnomAD 0.04522 and 0.04636; TOPMed 0.04549; ESP Exome Variant Server 0.04552; 1000 Genomes Project 30x 0.04622; 1000 Genomes Project 0.04892; ExAC 0.05885.
gnomAD v4.1: 97,347 of 1,614,090 alleles (6%); highest among the groups gnomAD compares: South Asian, 6.9%; 3,142 homozygotes.

Submissions (7):

Labcorp Genetics (formerly Invitae), Labcorp
Classification: Benign. Last evaluated: 2026-02-03. Review status: criteria provided, single submitter. Criteria: Invitae Variant Classification Sherloc (09022015). Collection method: clinical testing. Allele origin: germline.

Mayo Clinic Laboratories, Mayo Clinic
Classification: Benign. Last evaluated: 2022-04-29. Review status: criteria provided, single submitter. Criteria: ACMG Guidelines, 2015. Collection method: clinical testing. Allele origin: germline. Observed: 223 variant alleles.

GeneDx
Classification: Benign. Last evaluated: 2021-06-09. Review status: criteria provided, single submitter. Criteria: GeneDx Variant Classification Process June 2021. Collection method: clinical testing. Allele origin: germline. Affected: yes.

Illumina Laboratory Services, Illumina
Classification: Benign for Variegate porphyria. Last evaluated: 2018-01-13. Review status: criteria provided, single submitter. Criteria: ICSL Variant Classification Criteria 13 December 2019. Collection method: clinical testing. Allele origin: germline.
Comment: This variant was observed in the ICSL laboratory as part of a predisposition screen in an ostensibly healthy population. It had not been previously curated by ICSL or reported in the Human Gene Mutation Database (HGMD: prior to June 1st, 2018), and was therefore a candidate for classification through an automated scoring system. Utilizing variant allele frequency, disease prevalence and penetrance estimates, and inheritance mode, an automated score was calculated to assess if this variant is too frequent to cause the disease. Based on the score and internal cut-off values, a variant classified as benign is not then subjected to further curation. The score for this variant resulted in a classification of benign for this disease.

Breakthrough Genomics
Classification: Benign. Review status: criteria provided, single submitter. Criteria: ACMG Guidelines, 2015. Collection method: not provided. Allele origin: germline. Inheritance: Autosomal dominant inheritance. Affected: yes.

Clinical Genetics DNA and cytogenetics Diagnostics Lab, Erasmus MC, Erasmus Medical Center
Classification: Benign. Review status: no assertion criteria provided. Collection method: clinical testing. Allele origin: germline. Affected: yes. Study: VKGL Data-share Consensus. Not counted in ClinVar's aggregate classification.

Clinical Genetics, Academic Medical Center
Classification: Benign. Review status: no assertion criteria provided. Collection method: clinical testing. Allele origin: germline. Affected: yes. Study: VKGL Data-share Consensus. Not counted in ClinVar's aggregate classification.